The following is an entry in ClinVar:

ClinVar aggregate classification (germline): Uncertain significance. Review status: criteria provided, multiple submitters, no conflicts (2 of 4 stars). 2 submissions from 2 submitters: Uncertain significance (2). Last evaluated 2025-05-13.

Conditions:
Inborn genetic diseases. Identifiers: MedGen C0950123, MeSH D030342.

Allele frequency attached by ClinVar (database versions not stated): gnomAD 0.00001; gnomAD exomes 0.00002 and 0.00005; ExAC 0.00008; TOPMed 0.00002.
gnomAD v4.1: 31 of 1,613,826 alleles (0.0019%); highest among the groups gnomAD compares: East Asian, 0.036%; no homozygotes.

Submissions (2):

Ambry Genetics
Classification: Uncertain significance for Inborn genetic diseases. Last evaluated: 2025-05-13. Review status: criteria provided, single submitter. Criteria: Ambry Variant Classification Scheme 2023. Collection method: clinical testing. Allele origin: germline.

GeneDx
Classification: Uncertain significance. Last evaluated: 2020-07-06. Review status: criteria provided, single submitter. Criteria: GeneDx Variant Classification Process June 2021. Collection method: clinical testing. Allele origin: germline. Affected: yes.
Comment: In silico analysis supports that this missense variant has a deleterious effect on protein structure/function; Has not been previously published as pathogenic or benign to our knowledge

NM_000918.4(P4HB):c.992C>T (p.Ser331Leu)

Gene: P4HB (prolyl 4-hydroxylase subunit beta; minus strand). Cytogenetic location: 17q25.3.
Variant type: single nucleotide variant.
Coding change: c.992C>T on transcript NM_000918.4 (MANE Select); coding-DNA position 992, C replaced by T.
Protein change: p.Ser331Leu; replaces serine 331 with leucine.
Molecular consequence: missense variant.
Genome position (GRCh38, 1-based): chr17:81,846,493, G>A on the plus strand (C>T on the coding strand, the complement: P4HB is on the minus strand). VCF-style: chr17-81846493-G-A. GRCh37 (hg19) VCF-style: chr17-79804369-G-A.
Other names: short protein forms S331L.
Identifiers: ClinVar variation 1312899 (VCV001312899.5), dbSNP rs200205336, ClinGen allele CA8842771.